The following is an entry in ClinVar:

ClinVar aggregate classification (germline): Conflicting classifications of pathogenicity. Review status: criteria provided, conflicting classifications (1 of 4 stars). 10 submissions from 10 submitters: Uncertain significance (2); Likely benign (6). 2 of the submissions do not count toward it. Last evaluated 2026-01-28.

Conditions:
JPH2-related disorder. Also called: JPH2-related condition.
Cardiovascular phenotype. Identifiers: MedGen CN230736.
Hypertrophic cardiomyopathy 17. Identifiers: MedGen C3151264, MONDO:0013474, OMIM 613873.
Hypertrophic cardiomyopathy. Also called: HYPERTROPHIC MYOCARDIOPATHY. Identifiers: Orphanet 217569, MedGen C0007194, MeSH D002312, MONDO:0005045, HP:0001639.

Allele frequency attached by ClinVar (database versions not stated): gnomAD exomes 0.00007 and 0.00015; ExAC 0.00019; ESP Exome Variant Server 0.00038; 1000 Genomes Project 0.00060; gnomAD 0.00068 and 0.00072; TOPMed 0.00068; 1000 Genomes Project 30x 0.00094.
gnomAD v4.1: 215 of 1,613,754 alleles (0.013%); highest among the groups gnomAD compares: African/African-American, 0.24%; no homozygotes.

Submissions (10):

Labcorp Genetics (formerly Invitae), Labcorp
Classification: Likely benign for Hypertrophic cardiomyopathy. Last evaluated: 2026-01-28. Review status: criteria provided, single submitter. Criteria: Invitae Variant Classification Sherloc (09022015). Collection method: clinical testing. Allele origin: germline.

Women's Health and Genetics/Laboratory Corporation of America, LabCorp
Classification: Likely benign. Last evaluated: 2025-06-09. Review status: criteria provided, single submitter. Criteria: LabCorp Variant Classification Summary - May 2015. Collection method: clinical testing. Allele origin: germline.

Molecular Diagnostic Laboratory for Inherited Cardiovascular Disease, Montreal Heart Institute
Classification: Likely benign. Last evaluated: 2025-04-09. Review status: criteria provided, single submitter. Criteria: ACMG Guidelines, 2015. Collection method: clinical testing. Allele origin: germline. Affected: no.
Comment: BS1;BP4

ARUP Laboratories, Molecular Genetics and Genomics, ARUP Laboratories
Classification: Uncertain significance. Last evaluated: 2025-03-25. Review status: criteria provided, single submitter. Criteria: ARUP Molecular Germline Variant Investigation Process 2024. Collection method: clinical testing. Allele origin: germline.
Comment: The JPH2 c.128A>G; p.Asn43Ser variant (rs138992849), to our knowledge, is not reported in the medical literature but is reported in ClinVar (Variation ID: 201792). This variant is found primarily in the African/African-American population with an allele frequency of 0.18% (46/24,954 alleles) in the Genome Aggregation Database (v2.1.1). Computational analyses predict that this variant is neutral (REVEL: 0.138). While the high population frequency suggests that this is likely a benign variant, given the lack of clinical and functional data, the significance of this variant is uncertain at this time.

Blueprint Genetics
Classification: Likely benign. Last evaluated: 2024-11-12. Review status: criteria provided, single submitter. Criteria: ACMG Guidelines, 2015. Collection method: clinical testing. Allele origin: germline.

GeneDx
Classification: Likely benign. Last evaluated: 2020-09-25. Review status: criteria provided, single submitter. Criteria: GeneDx Variant Classification Process June 2021. Collection method: clinical testing. Allele origin: germline. Affected: yes.

Ambry Genetics
Classification: Likely benign for Cardiovascular phenotype. Last evaluated: 2019-01-07. Review status: criteria provided, single submitter. Criteria: Ambry Variant Classification Scheme 2023. Collection method: clinical testing. Allele origin: germline.

Clinical Genetics DNA and cytogenetics Diagnostics Lab, Erasmus MC, Erasmus Medical Center
Classification: Uncertain significance for Hypertrophic cardiomyopathy 17. Last evaluated: 2017-05-31. Review status: criteria provided, single submitter. Criteria: ACGS Guidelines, 2013. Collection method: clinical testing. Allele origin: germline. Affected: yes. Study: VKGL Data-share Consensus.

PreventionGenetics, part of Exact Sciences
Classification: Likely benign for JPH2-related condition. Last evaluated: 2022-01-16. Review status: no assertion criteria provided. Collection method: clinical testing. Allele origin: germline. Not counted in ClinVar's aggregate classification.
Comment: This variant is classified as likely benign based on ACMG/AMP sequence variant interpretation guidelines (Richards et al. 2015 PMID: 25741868, with internal and published modifications).

Clinical Genetics, Academic Medical Center
Classification: Uncertain significance. Review status: no assertion criteria provided. Collection method: clinical testing. Allele origin: germline. Affected: yes. Study: VKGL Data-share Consensus. Not counted in ClinVar's aggregate classification.

NM_020433.5(JPH2):c.128A>G (p.Asn43Ser)

Gene: JPH2 (junctophilin 2; minus strand). Cytogenetic location: 20q13.12.
Variant type: single nucleotide variant.
Coding change: c.128A>G on transcript NM_020433.5 (MANE Select); coding-DNA position 128, A replaced by G.
Protein change: p.Asn43Ser; replaces asparagine 43 with serine.
Molecular consequence: missense variant.
Genome position (GRCh38, 1-based): chr20:44,186,578, T>C on the plus strand (A>G on the coding strand, the complement: JPH2 is on the minus strand). VCF-style: chr20-44186578-T-C. GRCh37 (hg19) VCF-style: chr20-42815218-T-C.
Other names: p.N43S:AAC>AGC; c.128A>G, p.Asn43Ser (NM_175913.4); short protein forms N43S.
Identifiers: ClinVar variation 201792 (VCV000201792.27), dbSNP rs138992849, ClinGen allele CA335208.